The following is an entry in ClinVar:

NM_006269.2(RP1):c.4109A>T (p.Lys1370Ile)

Gene: RP1 (RP1 axonemal microtubule associated; plus strand). Cytogenetic location: 8q12.1.
Variant type: single nucleotide variant.
Coding change: c.4109A>T on transcript NM_006269.2 (MANE Select); coding-DNA position 4109, A replaced by T.
Protein change: p.Lys1370Ile; replaces lysine 1370 with isoleucine.
Molecular consequence: missense variant. On other transcripts: intron variant (1).
Genome position (GRCh38, 1-based): chr8:54,627,991, A>T. VCF-style: chr8-54627991-A-T. GRCh37 (hg19) VCF-style: chr8-55540551-A-T.
Other names: c.787+5703A>T (NM_001375654.1); short protein forms K1370I.
Identifiers: ClinVar variation 958232 (VCV000958232.9), dbSNP rs1806122778, ClinGen allele CA370981285.
Genomic context (GRCh38, chr8:54,627,991, plus strand): 5'-ACACATATACTGATAACTTGGATTCAACTGAAGAGTTAGAAAGAGGTGATGACATTCAGA[A>T]AGATCTAAATATTTTGACAGACCCTGAATATAAAAATGGATTTAATACATTGGTGTCACA-3'
Protein context (NP_006260.1, residues 1360-1380): EELERGDDIQ[Lys1370Ile]DLNILTDPEY

ClinVar aggregate classification (germline): Uncertain significance (1 of 4 stars; one submission).

Submission:

Labcorp Genetics (formerly Invitae), Labcorp
Classification: Uncertain significance. Last evaluated: 2022-11-24. Review status: criteria provided, single submitter. Criteria: Invitae Variant Classification Sherloc (09022015). Collection method: clinical testing. Allele origin: germline.
Comment: This variant disrupts the p.Lys1370 amino acid residue in RP1. Other variant(s) that disrupt this residue have been observed in individuals with RP1-related conditions (PMID: 20664799), which suggests that this may be a clinically significant amino acid residue. In summary, the available evidence is currently insufficient to determine the role of this variant in disease. Therefore, it has been classified as a Variant of Uncertain Significance. Algorithms developed to predict the effect of missense changes on protein structure and function are either unavailable or do not agree on the potential impact of this missense change (SIFT: "Deleterious"; PolyPhen-2: "Probably Damaging"; Align-GVGD: "Class C0"). This sequence change replaces lysine, which is basic and polar, with isoleucine, which is neutral and non-polar, at codon 1370 of the RP1 protein (p.Lys1370Ile). This variant is not present in population databases (gnomAD no frequency). This missense change has been observed in individual(s) with retinitis pigmentosa (Invitae). ClinVar contains an entry for this variant (Variation ID: 958232).

Literature cited by the submitters: PubMed 20664799.